The following is an entry in ClinVar:

ClinVar aggregate classification (germline): Uncertain significance. Review status: criteria provided, multiple submitters, no conflicts (2 of 4 stars). 2 submissions from 2 submitters: Uncertain significance (2). Last evaluated 2025-12-04.

Conditions:
Inborn genetic diseases. Identifiers: MedGen C0950123, MeSH D030342.

Allele frequency attached by ClinVar (database versions not stated): gnomAD exomes below 0.00001; TOPMed below 0.00001.
gnomAD v4.1: 4 of 1,589,760 alleles (0.00025%); highest among the groups gnomAD compares: Middle Eastern, 0.023%; no homozygotes.

Submissions (2):

Ambry Genetics
Classification: Uncertain significance for Inborn genetic diseases. Last evaluated: 2025-12-04. Review status: criteria provided, single submitter. Criteria: Ambry Variant Classification Scheme 2023. Collection method: clinical testing. Allele origin: germline.

GeneDx
Classification: Uncertain significance. Last evaluated: 2022-10-17. Review status: criteria provided, single submitter. Criteria: GeneDx Variant Classification Process June 2021. Collection method: clinical testing. Allele origin: germline. Affected: yes.
Comment: Not observed at significant frequency in large population cohorts (gnomAD); In silico analysis supports that this missense variant does not alter protein structure/function; Has not been previously published as pathogenic or benign to our knowledge

NM_001009944.3(PKD1):c.9988A>G (p.Ser3330Gly)

Gene: PKD1 (polycystin 1, transient receptor potential channel interacting; minus strand). Cytogenetic location: 16p13.3.
Variant type: single nucleotide variant.
Coding change: c.9988A>G on transcript NM_001009944.3 (MANE Select); coding-DNA position 9988, A replaced by G.
Protein change: p.Ser3330Gly; replaces serine 3330 with glycine.
Molecular consequence: missense variant.
Genome position (GRCh38, 1-based): chr16:2,099,706, T>C on the plus strand (A>G on the coding strand, the complement: PKD1 is on the minus strand). VCF-style: chr16-2099706-T-C. GRCh37 (hg19) VCF-style: chr16-2149707-T-C.
Other names: c.9988A>G, p.Ser3330Gly (NM_000296.4); c.9988A>G (NM_000296.3); short protein forms S3330G.
Identifiers: ClinVar variation 2499251 (VCV002499251.2), dbSNP rs2092008791, ClinGen allele CA394352207.